The following is an entry in ClinVar:

NM_003482.4(KMT2D):c.12428A>T (p.Asp4143Val)

Gene: KMT2D (lysine methyltransferase 2D; minus strand). Cytogenetic location: 12q13.12.
Variant type: single nucleotide variant.
Coding change: c.12428A>T on transcript NM_003482.4 (MANE Select); coding-DNA position 12428, A replaced by T.
Protein change: p.Asp4143Val; replaces aspartic acid 4143 with valine.
Molecular consequence: missense variant.
Genome position (GRCh38, 1-based): chr12:49,032,277, T>A on the plus strand (A>T on the coding strand, the complement: KMT2D is on the minus strand). VCF-style: chr12-49032277-T-A. GRCh37 (hg19) VCF-style: chr12-49426060-T-A.
Other names: short protein forms D4143V.
Identifiers: ClinVar variation 3609167 (VCV003609167.2).

ClinVar aggregate classification (germline): Uncertain significance (1 of 4 stars; one submission).

Conditions:
Kabuki syndrome. Also called: NIIKAWA-KUROKI SYNDROME; Kabuki make-up syndrome. Identifiers: Orphanet 2322, MedGen C0796004, MONDO:0016512.

Submission:

Labcorp Genetics (formerly Invitae), Labcorp
Classification: Uncertain significance for Kabuki syndrome. Last evaluated: 2024-02-06. Review status: criteria provided, single submitter. Criteria: Invitae Variant Classification Sherloc (09022015). Collection method: clinical testing. Allele origin: germline.
Comment: This sequence change replaces aspartic acid, which is acidic and polar, with valine, which is neutral and non-polar, at codon 4143 of the KMT2D protein (p.Asp4143Val). This variant is not present in population databases (gnomAD no frequency). This variant has not been reported in the literature in individuals affected with KMT2D-related conditions. Advanced modeling of protein sequence and biophysical properties (such as structural, functional, and spatial information, amino acid conservation, physicochemical variation, residue mobility, and thermodynamic stability) performed at Invitae indicates that this missense variant is not expected to disrupt KMT2D protein function with a negative predictive value of 95%. In summary, the available evidence is currently insufficient to determine the role of this variant in disease. Therefore, it has been classified as a Variant of Uncertain Significance.